The following is an entry in ClinVar:

NM_170707.4(LMNA):c.137T>A (p.Ile46Asn)

Gene: LMNA (lamin A/C; plus strand). Cytogenetic location: 1q22.
Variant type: single nucleotide variant.
Coding change: c.137T>A on transcript NM_170707.4 (MANE Select); coding-DNA position 137, T replaced by A.
Protein change: p.Ile46Asn; replaces isoleucine 46 with asparagine.
Molecular consequence: missense variant.
Genome position (GRCh38, 1-based): chr1:156,115,055, T>A. VCF-style: chr1-156115055-T-A. GRCh37 (hg19) VCF-style: chr1-156084846-T-A.
Other names: c.137T>A, p.Ile46Asn (NM_001282625.2, NM_001282626.2, NM_005572.4 and 1 more transcripts); short protein forms I46N.
Identifiers: ClinVar variation 408992 (VCV000408992.9), dbSNP rs1060502213, ClinGen allele CA16609881.
Genomic context (GRCh38, chr1:156,115,055, plus strand): 5'-TCACCCGGCTGCAGGAGAAGGAGGACCTGCAGGAGCTCAATGATCGCTTGGCGGTCTACA[T>A]CGACCGTGTGCGCTCGCTGGAAACGGAGAACGCAGGGCTGCGCCTTCGCATCACCGAGTC-3'
Protein context (NP_733821.1, residues 36-56): QELNDRLAVY[Ile46Asn]DRVRSLETEN

ClinVar aggregate classification (germline): Uncertain significance (1 of 4 stars; one submission).

Conditions:
Charcot-Marie-Tooth disease type 2. Also called: Charcot-Marie-Tooth type 2. Identifiers: Orphanet 64746, MedGen C0270914, MONDO:0018993.

Submission:

Labcorp Genetics (formerly Invitae), Labcorp
Classification: Uncertain significance for Charcot-Marie-Tooth disease type 2. Last evaluated: 2024-10-12. Review status: criteria provided, single submitter. Criteria: Invitae Variant Classification Sherloc (09022015). Collection method: clinical testing. Allele origin: germline.
Comment: This sequence change replaces isoleucine, which is neutral and non-polar, with asparagine, which is neutral and polar, at codon 46 of the LMNA protein (p.Ile46Asn). This variant is not present in population databases (gnomAD no frequency). This variant has not been reported in the literature in individuals affected with LMNA-related conditions. ClinVar contains an entry for this variant (Variation ID: 408992). Invitae Evidence Modeling of protein sequence and biophysical properties (such as structural, functional, and spatial information, amino acid conservation, physicochemical variation, residue mobility, and thermodynamic stability) indicates that this missense variant is expected to disrupt LMNA protein function with a positive predictive value of 95%. In summary, the available evidence is currently insufficient to determine the role of this variant in disease. Therefore, it has been classified as a Variant of Uncertain Significance.